The following is an entry in ClinVar:

ClinVar aggregate classification (germline): Uncertain significance. Review status: criteria provided, multiple submitters, no conflicts (2 of 4 stars). 2 submissions from 2 submitters: Uncertain significance (2). Last evaluated 2024-10-23.

Conditions:
Inborn genetic diseases. Identifiers: MedGen C0950123, MeSH D030342.

Allele frequency attached by ClinVar (database versions not stated): TOPMed below 0.00001; gnomAD 0.00001; gnomAD exomes 0.00001; ExAC 0.00004.
gnomAD v4.1: 18 of 1,574,014 alleles (0.0011%); highest among the groups gnomAD compares: Admixed American, 0.0018%; no homozygotes.

Submissions (2):

Labcorp Genetics (formerly Invitae), Labcorp
Classification: Uncertain significance. Last evaluated: 2024-10-23. Review status: criteria provided, single submitter. Criteria: Invitae Variant Classification Sherloc (09022015). Collection method: clinical testing. Allele origin: germline.
Comment: This sequence change replaces arginine with glutamine at codon 438 of the TULP1 protein (p.Arg438Gln). The arginine residue is highly conserved and there is a small physicochemical difference between arginine and glutamine. The frequency data for this variant in the population databases is considered unreliable, as metrics indicate poor data quality at this position in the gnomAD database. This variant has not been reported in the literature in individuals affected with TULP1-related conditions. ClinVar contains an entry for this variant (Variation ID: 1378056). Invitae Evidence Modeling of protein sequence and biophysical properties (such as structural, functional, and spatial information, amino acid conservation, physicochemical variation, residue mobility, and thermodynamic stability) has been performed for this missense variant. However, the output from this modeling did not meet the statistical confidence thresholds required to predict the impact of this variant on TULP1 protein function. In summary, the available evidence is currently insufficient to determine the role of this variant in disease. Therefore, it has been classified as a Variant of Uncertain Significance.

Ambry Genetics
Classification: Uncertain significance for Inborn genetic diseases. Last evaluated: 2022-04-13. Review status: criteria provided, single submitter. Criteria: Ambry Variant Classification Scheme 2023. Collection method: clinical testing. Allele origin: germline.

NM_003322.6(TULP1):c.1313G>A (p.Arg438Gln)

Gene: TULP1 (TUB like protein 1; minus strand). Cytogenetic location: 6p21.31.
Variant type: single nucleotide variant.
Coding change: c.1313G>A on transcript NM_003322.6 (MANE Select); coding-DNA position 1313, G replaced by A.
Protein change: p.Arg438Gln; replaces arginine 438 with glutamine.
Molecular consequence: missense variant.
Genome position (GRCh38, 1-based): chr6:35,503,569, C>T on the plus strand (G>A on the coding strand, the complement: TULP1 is on the minus strand). VCF-style: chr6-35503569-C-T. GRCh37 (hg19) VCF-style: chr6-35471346-C-T.
Other names: c.1313G>A (NM_003322.3); c.1154G>A, p.Arg385Gln (NM_001289395.2); short protein forms R438Q, R385Q.
Identifiers: ClinVar variation 1378056 (VCV001378056.6), dbSNP rs761803877, ClinGen allele CA3772600.